The following is an entry in ClinVar:

ClinVar aggregate classification (germline): Pathogenic. Review status: criteria provided, multiple submitters, no conflicts (2 of 4 stars). 11 submissions from 11 submitters: Pathogenic (9). 2 of the submissions do not count toward it. Last evaluated 2025-12-23.

Conditions:
KCNH2-related disorder. Also called: KCNH2-related disorders; KCNH2-related condition.
Cardiovascular phenotype. Identifiers: MedGen CN230736.
Familial long QT syndrome (RWS). Also called: Romano-Ward syndrome; VENTRICULAR FIBRILLATION WITH PROLONGED QT INTERVAL; Congenital long QT syndrome. Identifiers: Orphanet 768, MedGen C1141890, MONDO:0019171.
Long QT syndrome (LQTS). Identifiers: MedGen C0023976, MeSH D008133, MONDO:0002442. Disease mechanism: loss of function. Inheritance: Various modes of inheritance.
Long QT syndrome 2 (LQT2). Identifiers: Orphanet 101016, Orphanet 768, MedGen C3150943, MONDO:0013367, OMIM 613688.

Allele frequency attached by ClinVar (database versions not stated): gnomAD exomes below 0.00001.
gnomAD v4.1: 1 of 1,614,146 alleles (0.000062%); highest among the groups gnomAD compares: Non-Finnish European, 0.000085%; no homozygotes.

Submissions (11):

Institute of Immunology and Genetics Kaiserslautern
Classification: Pathogenic for Long QT syndrome 2. Last evaluated: 2025-12-23. Review status: criteria provided, single submitter. Criteria: ACMG Guidelines, 2015. Collection method: clinical testing. Allele origin: germline. Affected: yes.
Comment: ACMG Criteria: PS3, PS4, PM1, PM2_P, PP1_M, PP3, PP4; Variant was found in heterozygous state.

Labcorp Genetics (formerly Invitae), Labcorp
Classification: Pathogenic for Long QT syndrome. Last evaluated: 2025-09-12. Review status: criteria provided, single submitter. Criteria: Invitae Variant Classification Sherloc (09022015). Collection method: clinical testing. Allele origin: germline.
Comment: This sequence change replaces alanine, which is neutral and non-polar, with valine, which is neutral and non-polar, at codon 614 of the KCNH2 protein (p.Ala614Val). This variant is not present in population databases (gnomAD no frequency). This missense change has been observed in individuals with long QT syndrome (PMID: 9024139, 9544837, 15090700, 18441445, 18808722, 19057127, 19996378, 22949429). ClinVar contains an entry for this variant (Variation ID: 29777). An algorithm developed to predict the effect of missense changes on protein structure and function (PolyPhen-2) suggests that this variant is likely to be disruptive. Experimental studies have shown that this missense change affects KCNH2 function (PMID: 16432067, 19057127, 23303164, 25417810). For these reasons, this variant has been classified as Pathogenic.

Blueprint Genetics
Classification: Pathogenic for KCNH2-related disorders. Last evaluated: 2024-08-27. Review status: criteria provided, single submitter. Criteria: ACMG Guidelines, 2015. Collection method: clinical testing. Allele origin: germline. Affected: yes. Observed: 1 variant allele.

KardioGenetik, Herz- und Diabeteszentrum NRW
Classification: Pathogenic for Long QT syndrome 2. Last evaluated: 2024-06-17. Review status: criteria provided, single submitter. Criteria: ACMG Guidelines, 2015. Collection method: clinical testing. Allele origin: unknown. Affected: yes. Observed: 1 variant allele.
Comment: PP3moderate, PM2supporting, PP2, PM1, PS4moderate, PS3

GeneDx
Classification: Pathogenic. Last evaluated: 2022-01-13. Review status: criteria provided, single submitter. Criteria: GeneDx Variant Classification Process June 2021. Collection method: clinical testing. Allele origin: germline. Affected: yes.
Comment: Not observed at significant frequency in large population cohorts (gnomAD); In silico analysis supports that this missense variant has a deleterious effect on protein structure/function; Published functional studies demonstrate a damaging effect as this variant exerts a dominant negative effect (Anderson et al., 2006; Sakaguchi et al., 2008; Itzhaki et al., 2011; Jou et al., 2013); Reported in ClinVar as a pathogenic variant (ClinVar Variant ID# 29777); This variant is associated with the following publications: (PMID: 19057127, 22949429, 27555138, 19841300, 19716085, 18441445, 25417810, 18752142, 21703926, 21367833, 19070294, 31557540, 19843919, 23303164, 16432067, 25467552, 21240260, 9544837, 9927399, 9024139, 28316956, 28718902, 23864605, 15840476, 18808722, 15090700, 19996378, 11854117, 10560244, 21295269, 21185501, 10973849, 9693036, 9721698)

Ambry Genetics
Classification: Pathogenic for Cardiovascular phenotype. Last evaluated: 2021-04-10. Review status: criteria provided, single submitter. Criteria: Ambry Variant Classification Scheme 2023. Collection method: clinical testing. Allele origin: germline.
Comment: The p.A614V pathogenic mutation (also known as c.1841C>T), located in coding exon 7 of the KCNH2 gene, results from a C to T substitution at nucleotide position 1841. The alanine at codon 614 is replaced by valine, an amino acid with similar properties, and is located in the H5 intramembrane pore-forming region between transmembrane helices S5 and S6. This alteration has been identified in many unrelated patients with classic long QT syndrome (LQTS), reported to co-segregate with disease, and identified as a de novo mutation in LQTS probands without familial disease (Tanaka T et al. Circulation, 1997 Feb;95:565-7; Satler CA et al. Hum. Genet., 1998 Mar;102:265-72; Splawski I et al. Genomics, 1998 Jul;51:86-97; Priori SG et al. Circulation, 1999 Feb;99:529-33; Tenenbaum M et al. Isr. Med. Assoc. J., 2008 Nov;10:809-11; Kumakura M et al. J Clin Anesth, 2016 Sep;33:81-5). Numerous functional studies have demonstrated this alteration results in prolonged action-potential duration due to the loss of function of the IKr channel by deficient intracellular protein transport to the cell surface membrane (Nakajima T et al. Circ. Res., 1998 Aug;83:415-22; Sakaguchi T et al. J. Pharmacol. Sci., 2008 Dec;108:462-71; Itzhaki I et al. Nature, 2011 Mar;471:225-9; Jou CJ et al. Circ. Res., 2013 Mar;112:826-30). Based on the supporting evidence, this alteration is interpreted as a disease-causing mutation.

Victorian Clinical Genetics Services, Murdoch Childrens Research Institute
Classification: Pathogenic for Long QT syndrome 2. Last evaluated: 2020-10-19. Review status: criteria provided, single submitter. Criteria: ACMG Guidelines, 2015. Collection method: clinical testing. Allele origin: germline. Inheritance: Autosomal dominant inheritance. Affected: yes.
Comment: Based on the classification scheme VCGS_Germline_v1.1.1, this variant is classified as Pathogenic. Following criteria are met: 0103 - Both loss- and gain-of-function and dominant negative are known mechanisms of disease for this gene. Loss of function and dominant negative are disease mechanisms for long QT syndrome 2 (MIM#613688), whereas gain of function is a disease mechanism for short QT syndrome 1 (MIM#609620). (N) 0107 - This gene is known to be associated with autosomal dominant disease. (N) 0112 - Variants in this gene are known to have reduced penetrance (GeneReview). (N) 0200 - Variant is predicted to result in a missense amino acid change from alanine to valine (exon 7). (N) 0251 - Variant is heterozygous. (N) 0301 - Variant is absent from gnomAD. (P) 0501 - Missense variant consistently predicted to be damaging by multiple in silico tools or highly conserved with a major amino acid change. (P) 0600 - Variant is located in the pore forming region (PMID: 9721698). (N) 0801 - Strong previous evidence of pathogenicity in unrelated individuals. The variant has been previously reported in multiple patients with LQTS (ClinVar). (P) 1002 - Moderate functional evidence supporting abnormal protein function. In addition, functional studies show that this variant causes LQTS through dominant negative mechanism (PMID: 9721698, 21240260). (P) 1208 - Inheritance information for this variant is not currently available. (N) Legend: (P) - Pathogenic, (N) - Neutral, (B) - Benign

Women's Health and Genetics/Laboratory Corporation of America, LabCorp
Classification: Pathogenic for Long QT syndrome. Last evaluated: 2018-05-07. Review status: criteria provided, single submitter. Criteria: LabCorp Variant Classification Summary - May 2015. Collection method: clinical testing. Allele origin: germline.
Comment: Variant summary: KCNH2 c.1841C>T (p.Ala614Val) results in a non-conservative amino acid change located in the Ion transport domain of the encoded protein sequence. Five of five in-silico tools predict a damaging effect of the variant on protein function. The variant was absent in 250692 control chromosomes. c.1841C>T has been reported in the literature in numerous individuals affected with Long QT Syndrome. These data indicate that the variant is very likely to be associated with disease. Several publications report experimental evidence evaluating an impact on protein function, such as electrophysiological findings (Itzhaki_2011) and intracellular trafficking (Anderson_2006), both of which were impaired in the presence of the variant. Four clinical diagnostic laboratories have submitted clinical-significance assessments for this variant to ClinVar after 2014 and all classified the variant as pathogenic. Based on the evidence outlined above, the variant was classified as pathogenic.

Molecular Diagnostic Laboratory for Inherited Cardiovascular Disease, Montreal Heart Institute
Classification: Pathogenic for Familial long QT syndrome. Last evaluated: 2016-08-30. Review status: criteria provided, single submitter. Criteria: ACMG Guidelines, 2015. Collection method: clinical testing. Allele origin: germline. Affected: yes.

OMIM
Classification: Pathogenic for LONG QT SYNDROME 2. Last evaluated: 2011-03-10. Review status: no assertion criteria provided. Collection method: literature only. Allele origin: germline. Not counted in ClinVar's aggregate classification.

Cardiovascular Biomedical Research Unit, Royal Brompton & Harefield NHS Foundation Trust
No classification provided. Condition: Familial long QT syndrome. Review status: no classification provided. Collection method: literature only. Allele origin: germline. Not counted in ClinVar's aggregate classification.
Comment: This variant has been reported as associated with Long QT syndrome in the following publications (PMID:9024139;PMID:9544837;PMID:9693036;PMID:9927399;PMID:10560244;PMID:11854117;PMID:15840476;PMID:16432067;PMID:18441445;PMID:18752142;PMID:19057127;PMID:19716085;PMID:19841300;PMID:19843919;PMID:10187793). This is a literature report, and does not necessarily reflect the clinical interpretation of the Imperial College / Royal Brompton Cardiovascular Genetics laboratory.

NM_000238.4(KCNH2):c.1841C>T (p.Ala614Val)

Gene: KCNH2 (potassium voltage-gated channel subfamily H member 2; minus strand). Cytogenetic location: 7q36.1.
Variant type: single nucleotide variant.
Coding change: c.1841C>T on transcript NM_000238.4 (MANE Select); coding-DNA position 1841, C replaced by T.
Protein change: p.Ala614Val; replaces alanine 614 with valine.
Molecular consequence: missense variant.
Genome position (GRCh38, 1-based): chr7:150,951,552, G>A on the plus strand (C>T on the coding strand, the complement: KCNH2 is on the minus strand). VCF-style: chr7-150951552-G-A. GRCh37 (hg19) VCF-style: chr7-150648640-G-A.
Other names: c.821C>T, p.Ala274Val (NM_001204798.2, NM_172057.3); c.1553C>T, p.Ala518Val (NM_001406753.1, NM_001406756.1); c.1664C>T, p.Ala555Val (NM_001406755.1); c.1541C>T, p.Ala514Val (NM_001406757.1); c.1841C>T, p.Ala614Val (NM_172056.3); c.1841C>T (LRG_288t1); short protein forms A614V, A274V, A518V, A555V, A514V.
Identifiers: ClinVar variation 29777 (VCV000029777.19), dbSNP rs199472944, ClinGen allele CA005654.